The following is an entry in ClinVar:

NM_005050.4(ABCD4):c.1213_1214dup (p.Asp406fs)

Gene: ABCD4 (ATP binding cassette subfamily D member 4; minus strand). Cytogenetic location: 14q24.3.
Variant type: Duplication.
Coding change: c.1213_1214dup on transcript NM_005050.4 (MANE Select); coding-DNA positions 1213 to 1214, 2 bases duplicated (AA; older notation c.1213_1214dupAA).
Protein change: p.Asp406fs; shifts the reading frame from aspartic acid 406.
Molecular consequence: frameshift variant. On other transcripts: non-coding transcript variant (10).
Genome position (GRCh38, 1-based): chr14:74,290,404-74,290,405, TT duplicated on the plus strand (AA on the coding strand, the reverse complement: ABCD4 is on the minus strand). VCF-style (leftmost placement, unchanged base first): chr14-74290403-C-CTT. GRCh37 (hg19) VCF-style: chr14-74757106-C-CTT.
Other names: c.1087_1088dup, p.Asp364fs (NM_001353591.2, NM_001353592.2); c.952_953dup, p.Asp319fs (NM_001353593.2); c.901_902dup, p.Asp302fs (NM_001353594.2); c.799_800dup, p.Asp268fs (NM_001353595.2, NM_001353596.2); c.748_749dup, p.Asp251fs (NM_001353597.2); c.736_737dup, p.Asp247fs (NM_001353598.2, NM_001353599.2, NM_001353600.2 and 2 more transcripts); c.424_425dup, p.Asp143fs (NM_001353602.2, NM_001353603.2, NM_001353604.2 and 6 more transcripts); c.1084_1085dup, p.Asp363Argfs (NM_020323.1); and 1 more; short protein forms D319fs, D251fs, D247fs, D268fs, D406fs, D143fs, D302fs, D364fs.
Identifiers: ClinVar variation 1941455 (VCV001941455.5), dbSNP rs2505333886, ClinGen allele CA2580088737.

ClinVar aggregate classification (germline): Pathogenic (1 of 4 stars; one submission).

Conditions:
Methylmalonic acidemia with homocystinuria, type cblJ (MAHCJ). Also called: METHYLMALONIC ACIDURIA AND HOMOCYSTINURIA, cblJ TYPE. Identifiers: Orphanet 369955, MedGen C3553915, MONDO:0013925, OMIM 614857.

Submission:

Labcorp Genetics (formerly Invitae), Labcorp
Classification: Pathogenic for Methylmalonic acidemia with homocystinuria, type cblJ. Last evaluated: 2022-05-21. Review status: criteria provided, single submitter. Criteria: Invitae Variant Classification Sherloc (09022015). Collection method: clinical testing. Allele origin: germline.
Comment: For these reasons, this variant has been classified as Pathogenic. This variant has not been reported in the literature in individuals affected with ABCD4-related conditions. This variant is not present in population databases (gnomAD no frequency). This sequence change creates a premature translational stop signal (p.Asp406Argfs*3) in the ABCD4 gene. It is expected to result in an absent or disrupted protein product. Loss-of-function variants in ABCD4 are known to be pathogenic (PMID: 22922874).

Literature cited by the submitters: PubMed 22922874.